The following is an entry in ClinVar:

ClinVar aggregate classification (germline): Uncertain significance (1 of 4 stars; one submission).

Conditions:
Hereditary cancer-predisposing syndrome. Also called: Hereditary Cancer Syndrome; Neoplastic Syndromes, Hereditary; Tumor predisposition; Hereditary neoplastic syndrome. Identifiers: Orphanet 140162, MedGen C0027672, MeSH D009386, MONDO:0015356.

Submission:

Ambry Genetics
Classification: Uncertain significance for Hereditary cancer-predisposing syndrome. Last evaluated: 2024-08-16. Review status: criteria provided, single submitter. Criteria: Ambry Variant Classification Scheme 2023. Collection method: clinical testing. Allele origin: germline.
Comment: The p.R1610S variant (also known as c.4830A>T), located in coding exon 31 of the ATM gene, results from an A to T substitution at nucleotide position 4830. The arginine at codon 1610 is replaced by serine, an amino acid with dissimilar properties. This amino acid position is highly conserved in available vertebrate species. In addition, the in silico prediction for this alteration is inconclusive. Since supporting evidence is limited at this time, the clinical significance of this alteration remains unclear.

NM_000051.4(ATM):c.4830A>T (p.Arg1610Ser)

Gene: ATM (ATM serine/threonine kinase; plus strand). Cytogenetic location: 11q22.3.
Variant type: single nucleotide variant.
Coding change: c.4830A>T on transcript NM_000051.4 (MANE Select); coding-DNA position 4830, A replaced by T.
Protein change: p.Arg1610Ser; replaces arginine 1610 with serine.
Molecular consequence: missense variant.
Genome position (GRCh38, 1-based): chr11:108,294,980, A>T. VCF-style: chr11-108294980-A-T. GRCh37 (hg19) VCF-style: chr11-108165707-A-T.
Other names: c.4830A>T, p.Arg1610Ser (NM_001351834.2); short protein forms R1610S.
Identifiers: ClinVar variation 1743431 (VCV001743431.3), dbSNP rs2135835316, ClinGen allele CA382536773.